The following is an entry in ClinVar:

ClinVar aggregate classification (germline): Pathogenic (1 of 4 stars; one submission).

Submission:

Labcorp Genetics (formerly Invitae), Labcorp
Classification: Pathogenic. Last evaluated: 2020-11-02. Review status: criteria provided, single submitter. Criteria: Invitae Variant Classification Sherloc (09022015). Collection method: clinical testing. Allele origin: germline.
Comment: For these reasons, this variant has been classified as Pathogenic. This variant has not been reported in the literature in individuals with EYS-related conditions. This variant is a gross deletion of the genomic region encompassing exon(s) 31-32 of the EYS gene. This deletion is out-of-frame, and is expected to create a premature translational stop signal and result in an absent or disrupted protein product. Loss-of-function variants in EYS are known to be pathogenic (PMID: 18836446, 20333770).

Literature cited by the submitters: PubMed 18836446; PubMed 20333770.

NC_000006.11:g.(?_64791739)_(64940727_?)del

Gene: EYS (eyes shut homolog; minus strand). Cytogenetic location: 6q12.
Variant type: Deletion.
Identifiers: ClinVar variation 1455347 (VCV001455347.6).